The following is an entry in ClinVar:

NM_000094.4(COL7A1):c.87del (p.Thr30fs)

Gene: COL7A1 (collagen type VII alpha 1 chain; minus strand). Cytogenetic location: 3p21.31.
Variant type: Deletion.
Coding change: c.87del on transcript NM_000094.4 (MANE Select); coding-DNA position 87, one base deleted (G; older notation c.87delG).
Protein change: p.Thr30fs; shifts the reading frame from threonine 30.
Molecular consequence: frameshift variant.
Genome position (GRCh38, 1-based): chr3:48,594,547, C deleted on the plus strand (G on the coding strand, the reverse complement: COL7A1 is on the minus strand). VCF-style (leftmost placement, unchanged base first): chr3-48594546-TC-T. GRCh37 (hg19) VCF-style: chr3-48631979-TC-T.
Other names: short protein forms T30fs.
Identifiers: ClinVar variation 4293553 (VCV004293553.1).

ClinVar aggregate classification (germline): Pathogenic (1 of 4 stars; one submission).

Conditions:
Recessive dystrophic epidermolysis bullosa (RDEB). Also called: DYSTROPHIC EPIDERMOLYSIS BULLOSA, AUTOSOMAL RECESSIVE; EPIDERMOLYSIS BULLOSA DYSTROPHICA, HALLOPEAU-SIEMENS TYPE; Hallopeau-Siemens Disease; severe generalized recessive dystrophic epidermolysis bullosa; EPIDERMOLYSIS BULLOSA DYSTROPHICA, GENERALIZED SEVERE, AUTOSOMAL RECESSIVE; Epidermolysis Bullosa Distrophica Autosomal Recessive (RDEB). Identifiers: Orphanet 79408, Orphanet 79409, MedGen C0079474, MONDO:0009179, OMIM 226600.

Submission:

3billion
Classification: Pathogenic for Recessive dystrophic epidermolysis bullosa. Last evaluated: 2024-09-03. Review status: criteria provided, single submitter. Criteria: ACMG Guidelines, 2015. Collection method: clinical testing. Allele origin: germline. Affected: yes.
Comment: The variant is not observed in the gnomAD v4.0.0 dataset. Predicted Consequence/Location: Frameshift: predicted to result in a loss or disruption of normal protein function through nonsense-mediated decay (NMD) or protein truncation. Multiple pathogenic variants are reported downstream of the variant. Therefore, this variant is classified as Pathogenic according to the recommendation of ACMG/AMP guideline.